The following is an entry in ClinVar:

ClinVar aggregate classification (germline): Uncertain significance (1 of 4 stars; one submission).

Submission:

ISCA site 15
Classification: Uncertain significance. Last evaluated: 2011-08-12. Review status: criteria provided, single submitter. Criteria: Kaminsky et al. (Genet Med. 2011). Collection method: clinical testing. Allele origin: unknown, paternal. Affected: yes. Observed: 2 variant alleles.
Comment: Copy number variation identified through the course of routine clinical cytogenomic testing in postnatal populations. Clinical assertions have been curated as described in Kaminsky et al. 2011.

GRCh38/hg38 15q13.1-13.2(chr15:28694893-30073921)x1

Genes: APBA2 (amyloid beta precursor protein binding family A member 2; plus strand), ENTREP2 (endosomal transmembrane epsin interactor 2; minus strand), GOLGA6L7 (golgin A6 family like 7; minus strand), GOLGA8M (golgin A8 family member M; minus strand), LCIIAR (lung cancer immune cell infiltration associated lncRNA; plus strand) and 11 more. Cytogenetic location: 15q13.1-13.2.
Variant type: copy number loss.
Change: copy number 1 (one copy instead of two) of chr15:28,694,893-30,073,921 (1.38 Mb, GRCh38 coordinates, 1-based), cytogenetic band 15q13.1-13.2.
Identifiers: ClinVar variation 160915 (VCV000160915.1).